The following is an entry in ClinVar:

ClinVar aggregate classification (germline): Uncertain significance (1 of 4 stars; one submission).

gnomAD v4.1: 1 of 1,613,448 alleles (0.000062%); highest among the groups gnomAD compares: African/African-American, 0.0013%; no homozygotes.

Submission:

GeneDx
Classification: Uncertain significance. Last evaluated: 2026-02-15. Review status: criteria provided, single submitter. Criteria: GeneDx Variant Classification Process June 2021. Collection method: clinical testing. Allele origin: germline.
Comment: Not observed at significant frequency in large population cohorts (gnomAD); In silico analysis supports that this missense variant has a deleterious effect on protein structure/function; Has not been previously published as pathogenic or benign to our knowledge; This variant is associated with the following publications: (PMID: 21224407)

NM_000545.8(HNF1A):c.1382C>A (p.Pro461His)

Gene: HNF1A (HNF1 homeobox A; plus strand). Cytogenetic location: 12q24.31.
Variant type: single nucleotide variant.
Coding change: c.1382C>A on transcript NM_000545.8 (MANE Select); coding-DNA position 1382, C replaced by A.
Protein change: p.Pro461His; replaces proline 461 with histidine.
Molecular consequence: missense variant. On other transcripts: intron variant (1).
Genome position (GRCh38, 1-based): chr12:120,997,546, C>A. VCF-style: chr12-120997546-C-A. GRCh37 (hg19) VCF-style: chr12-121435349-C-A.
Other names: c.1382C>A, p.Pro461His (NM_001306179.2); c.1309+804C>A (NM_001406915.1); short protein forms P461H.
Identifiers: ClinVar variation 5008391 (VCV005008391.1).